The following is an entry in ClinVar:

NM_002150.3(HPD):c.544G>A (p.Asp182Asn)

Genes: HPD (4-hydroxyphenylpyruvate dioxygenase; minus strand), TIALD (transcript inducer of AURKA lysosomal degradation; plus strand). Cytogenetic location: 12q24.31.
Variant type: single nucleotide variant.
Coding change: c.544G>A on transcript NM_002150.3 (MANE Select); coding-DNA position 544, G replaced by A.
Protein change: p.Asp182Asn; replaces aspartic acid 182 with asparagine.
Molecular consequence: missense variant.
Genome position (GRCh38, 1-based): chr12:121,849,051, C>T on the plus strand (G>A on the coding strand, the complement: HPD is on the minus strand). VCF-style: chr12-121849051-C-T. GRCh37 (hg19) VCF-style: chr12-122286957-C-T.
Other names: c.427G>A, p.Asp143Asn (NM_001171993.2); short protein forms D182N, D143N.
Identifiers: ClinVar variation 573513 (VCV000573513.6), dbSNP rs750446552, ClinGen allele CA6839616.

ClinVar aggregate classification (germline): Uncertain significance (1 of 4 stars; one submission).

Conditions:
Hawkinsinuria. Identifiers: Orphanet 2118, MedGen C2931042, MONDO:0007700, OMIM 140350, HP:0034457.
Tyrosinemia type III. Also called: 4-HYDROXYPHENYLPYRUVIC ACID OXIDASE DEFICIENCY; Tyrosinemia type 3; 4-alpha hydroxyphenylpyruvic acid oxidase deficiency; 4-alpha hydroxyphenylpyruvate dioxygenase deficiency; 4-Hydroxyphenylpyruvate dioxygenase deficiency. Identifiers: Orphanet 69723, MedGen C0268623, MONDO:0010162, OMIM 276710.

Allele frequency attached by ClinVar (database versions not stated): ExAC 0.00002; gnomAD 0.00003 and 0.00004; TOPMed 0.00003; gnomAD exomes 0.00007.
gnomAD v4.1: 51 of 1,613,662 alleles (0.0032%); highest among the groups gnomAD compares: Admixed American, 0.0033%; no homozygotes.

Submission:

Labcorp Genetics (formerly Invitae), Labcorp
Classification: Uncertain significance for Tyrosinemia type III; Hawkinsinuria. Last evaluated: 2022-08-03. Review status: criteria provided, single submitter. Criteria: Invitae Variant Classification Sherloc (09022015). Collection method: clinical testing. Allele origin: germline.
Comment: This sequence change replaces aspartic acid, which is acidic and polar, with asparagine, which is neutral and polar, at codon 182 of the HPD protein (p.Asp182Asn). This variant is present in population databases (rs750446552, gnomAD 0.2%). This missense change has been observed in individual(s) with clinical features of HPD-related conditions (Invitae). In at least one individual the data is consistent with being in trans (on the opposite chromosome) from a pathogenic variant. ClinVar contains an entry for this variant (Variation ID: 573513). Algorithms developed to predict the effect of missense changes on protein structure and function are either unavailable or do not agree on the potential impact of this missense change (SIFT: "Deleterious"; PolyPhen-2: "Probably Damaging"; Align-GVGD: "Class C15"). In summary, the available evidence is currently insufficient to determine the role of this variant in disease. Therefore, it has been classified as a Variant of Uncertain Significance.